The following is an entry in ClinVar:

ClinVar aggregate classification (germline): Likely benign (1 of 4 stars; one submission).

Submission:

CeGaT Center for Human Genetics Tuebingen
Classification: Likely benign. Last evaluated: 2026-09-01. Review status: criteria provided, single submitter. Criteria: CeGaT Center For Human Genetics Tuebingen Variant Classification Criteria Version 2. Collection method: clinical testing. Allele origin: germline. Affected: yes. Observed: 6 variant alleles.
Comment: TTN: PM2:Supporting, BP4, BP7

NM_001267550.2(TTN):c.11311+2446T>C

Gene: TTN (titin; minus strand). Cytogenetic location: 2q31.2.
Variant type: single nucleotide variant.
Coding change: c.11311+2446T>C on transcript NM_001267550.2 (MANE Select); 2446 bases into the intron after coding-DNA position 11311, T replaced by C.
Molecular consequence: intron variant. On other transcripts: synonymous variant (1).
Genome position (GRCh38, 1-based): chr2:178,750,678, A>G on the plus strand (T>C on the coding strand, the complement: TTN is on the minus strand). VCF-style: chr2-178750678-A-G. GRCh37 (hg19) VCF-style: chr2-179615405-A-G.
Other names: c.11722T>C, p.Leu3908= (NM_133379.5); c.10222+2446T>C (NM_003319.4); c.10798+2446T>C (NM_133437.4); c.10597+2446T>C (NM_133432.3); c.10360+2446T>C (NM_133378.4, NM_001256850.1).
Identifiers: ClinVar variation 3898615 (VCV003898615.7).